The following is an entry in ClinVar:

NM_001478.5(B4GALNT1):c.256G>A (p.Gly86Arg)

Gene: B4GALNT1 (beta-1,4-N-acetyl-galactosaminyltransferase 1; minus strand). Cytogenetic location: 12q13.3.
Variant type: single nucleotide variant.
Coding change: c.256G>A on transcript NM_001478.5 (MANE Select); coding-DNA position 256, G replaced by A.
Protein change: p.Gly86Arg; replaces glycine 86 with arginine.
Molecular consequence: missense variant. On other transcripts: intron variant (1).
Genome position (GRCh38, 1-based): chr12:57,631,327, C>T on the plus strand (G>A on the coding strand, the complement: B4GALNT1 is on the minus strand). VCF-style: chr12-57631327-C-T. GRCh37 (hg19) VCF-style: chr12-58025110-C-T.
Other names: c.256G>A, p.Gly86Arg (NM_001276469.2, NM_001413967.1, NM_001413968.1 and 9 more transcripts); c.219-241G>A (NM_001276468.2); short protein forms G86R.
Identifiers: ClinVar variation 2165929 (VCV002165929.4), dbSNP rs919097197, ClinGen allele CA385502025.
Genomic context (GRCh38, chr12:57,631,327, plus strand): 5'-AGGCCTTGGTGAGGTCAATAGCTCGGACTTGTTTCTGGAAGGGGAGGGGGAGGCCCCCCC[C>T]ACTGGACTCACAACTGCAGTTGTTCCAAGCCAGCAGCCTGAAGGGGGTAGGTAGTGAGGG-3'
Protein context (NP_001469.1, residues 76-96): AWNNCSCESS[Gly86Arg]GGLPLPFQKQ

ClinVar aggregate classification (germline): Uncertain significance (1 of 4 stars; one submission).

Conditions:
Spastic paraplegia. Identifiers: MedGen C0037772, HP:0001258.

Submission:

Labcorp Genetics (formerly Invitae), Labcorp
Classification: Uncertain significance for Spastic paraplegia. Last evaluated: 2022-06-08. Review status: criteria provided, single submitter. Criteria: Invitae Variant Classification Sherloc (09022015). Collection method: clinical testing. Allele origin: germline.
Comment: In summary, the available evidence is currently insufficient to determine the role of this variant in disease. Therefore, it has been classified as a Variant of Uncertain Significance. Algorithms developed to predict the effect of missense changes on protein structure and function output the following: SIFT: "Tolerated"; PolyPhen-2: "Benign"; Align-GVGD: "Class C0". The arginine amino acid residue is found in multiple mammalian species, which suggests that this missense change does not adversely affect protein function. This variant has not been reported in the literature in individuals affected with B4GALNT1-related conditions. This variant is not present in population databases (gnomAD no frequency). This sequence change replaces glycine, which is neutral and non-polar, with arginine, which is basic and polar, at codon 86 of the B4GALNT1 protein (p.Gly86Arg).